The following is an entry in ClinVar:

ClinVar aggregate classification (germline): Likely benign. Review status: criteria provided, multiple submitters, no conflicts (2 of 4 stars). 3 submissions from 3 submitters: Likely benign (3). Last evaluated 2025-10-06.

Conditions:
Bethlem myopathy 1A. Also called: Bethlem myopathy 1; Bethlem Muscular Dystrophy; MYOPATHY, BENIGN CONGENITAL, WITH CONTRACTURES. Identifiers: Orphanet 610, MedGen CN029274, MONDO:0024530, OMIM 158810.

Allele frequency attached by ClinVar (database versions not stated): gnomAD 0.00002 and 0.00003; gnomAD exomes 0.00002; TOPMed 0.00006; ESP Exome Variant Server 0.00008.
gnomAD v4.1: 34 of 1,610,760 alleles (0.0021%); highest among the groups gnomAD compares: South Asian, 0.014%; no homozygotes.

Submissions (3):

Labcorp Genetics (formerly Invitae), Labcorp
Classification: Likely benign for Bethlem myopathy 1A. Last evaluated: 2025-10-06. Review status: criteria provided, single submitter. Criteria: Invitae Variant Classification Sherloc (09022015). Collection method: clinical testing. Allele origin: germline.

Women's Health and Genetics/Laboratory Corporation of America, LabCorp
Classification: Likely benign. Last evaluated: 2025-07-29. Review status: criteria provided, single submitter. Criteria: LabCorp Variant Classification Summary - May 2015. Collection method: clinical testing. Allele origin: germline.

CeGaT Center for Human Genetics Tuebingen
Classification: Likely benign. Last evaluated: 2023-03-01. Review status: criteria provided, single submitter. Criteria: CeGaT Center For Human Genetics Tuebingen Variant Classification Criteria Version 2. Collection method: clinical testing. Allele origin: germline. Affected: yes. Observed: 1 variant allele.
Comment: COL6A2: BP4, BP7

NM_001849.4(COL6A2):c.471C>T (p.Ala157=)

Gene: COL6A2 (collagen type VI alpha 2 chain; plus strand). Cytogenetic location: 21q22.3.
Variant type: single nucleotide variant.
Coding change: c.471C>T on transcript NM_001849.4 (MANE Select); coding-DNA position 471, C replaced by T.
Protein change: p.Ala157=; no amino-acid change (alanine 157 retained).
Molecular consequence: synonymous variant.
Genome position (GRCh38, 1-based): chr21:46,112,334, C>T. VCF-style: chr21-46112334-C-T. GRCh37 (hg19) VCF-style: chr21-47532248-C-T.
Other names: c.471C>T, p.Ala157= (NM_058174.3, NM_058175.3).
Identifiers: ClinVar variation 1125598 (VCV001125598.34), dbSNP rs372298335, ClinGen allele CA10071304.
Genomic context (GRCh38, chr21:46,112,334, plus strand): 5'-GCTGGCCAACATGACGGAGCAGATCCGGCAGGACCGCAGCAAGGGCACCGTCCACTTCGC[C>T]GTGGTCATCACCGACGGCCACGTCACCGGCAGCCCCTGCGGGGGCATCAAGCTGCAGGCC-3'
Protein context (NP_001840.3, residues 147-167): QDRSKGTVHF[Ala157=]VVITDGHVTG